The following is an entry in ClinVar:

NM_001376.5(DYNC1H1):c.1499C>T (p.Pro500Leu)

Gene: DYNC1H1 (dynein cytoplasmic 1 heavy chain 1; plus strand). Cytogenetic location: 14q32.31.
Variant type: single nucleotide variant.
Coding change: c.1499C>T on transcript NM_001376.5 (MANE Select); coding-DNA position 1499, C replaced by T.
Protein change: p.Pro500Leu; replaces proline 500 with leucine.
Molecular consequence: missense variant.
Genome position (GRCh38, 1-based): chr14:101,985,724, C>T. VCF-style: chr14-101985724-C-T. GRCh37 (hg19) VCF-style: chr14-102452061-C-T.
Other names: short protein forms P500L.
Identifiers: ClinVar variation 2786440 (VCV002786440.3), dbSNP rs2503693100, ClinGen allele CA391017927.

ClinVar aggregate classification (germline): Uncertain significance (1 of 4 stars; one submission).

Conditions:
Charcot-Marie-Tooth disease axonal type 2O. Also called: CHARCOT-MARIE-TOOTH NEUROPATHY, AXONAL, TYPE 2O; CHARCOT-MARIE-TOOTH DISEASE, AXONAL, AUTOSOMAL DOMINANT, TYPE 2O; Charcot-Marie-Tooth Neuropathy Type 2O; Charcot-Marie-Tooth disease, axonal, type 20. Identifiers: Orphanet 284232, MedGen C3280220, MONDO:0013644, OMIM 614228.

Submission:

Labcorp Genetics (formerly Invitae), Labcorp
Classification: Uncertain significance for Charcot-Marie-Tooth disease axonal type 2O. Last evaluated: 2023-04-30. Review status: criteria provided, single submitter. Criteria: Invitae Variant Classification Sherloc (09022015). Collection method: clinical testing. Allele origin: germline.
Comment: In summary, the available evidence is currently insufficient to determine the role of this variant in disease. Therefore, it has been classified as a Variant of Uncertain Significance. Advanced modeling of protein sequence and biophysical properties (such as structural, functional, and spatial information, amino acid conservation, physicochemical variation, residue mobility, and thermodynamic stability) performed at Invitae indicates that this missense variant is not expected to disrupt DYNC1H1 protein function. This variant has not been reported in the literature in individuals affected with DYNC1H1-related conditions. This variant is not present in population databases (gnomAD no frequency). This sequence change replaces proline, which is neutral and non-polar, with leucine, which is neutral and non-polar, at codon 500 of the DYNC1H1 protein (p.Pro500Leu).